The following is an entry in ClinVar:

ClinVar aggregate classification (germline): Likely pathogenic. Review status: criteria provided, multiple submitters, no conflicts (2 of 4 stars). 4 submissions from 4 submitters: Likely pathogenic (4). Last evaluated 2026-06-16.

Conditions:
KDM5B-related disorder. Also called: KDM5B-related condition.
Intellectual developmental disorder, autosomal recessive 65. Also called: Intellectual disability, autosomal recessive 65; MENTAL RETARDATION, AUTOSOMAL RECESSIVE 65. Identifiers: MedGen C4748219, MONDO:0020850, OMIM 618109.

Allele frequency attached by ClinVar (database versions not stated): gnomAD exomes below 0.00001; TOPMed below 0.00001.
gnomAD v4.1: 3 of 1,614,082 alleles (0.00019%); highest among the groups gnomAD compares: Non-Finnish European, 0.00025%; no homozygotes.

Submissions (4):

Greenwood Genetic Center Diagnostic Laboratories, Greenwood Genetic Center
Classification: Likely pathogenic for Intellectual developmental disorder, autosomal recessive 65. Last evaluated: 2026-06-16. Review status: criteria provided, single submitter. Criteria: ACMG Guidelines, 2015. Collection method: clinical testing. Allele origin: germline. Affected: yes.
Comment: PVS1, PM2

PreventionGenetics, part of Exact Sciences
Classification: Likely pathogenic for KDM5B-related condition. Last evaluated: 2023-02-28. Review status: criteria provided, single submitter. Criteria: ACMG Guidelines, 2015. Collection method: clinical testing. Allele origin: germline.
Comment: The KDM5B c.3640C>T variant is predicted to result in premature protein termination (p.Arg1214*). To our knowledge, this variant has not been reported in the literature or in a large population database, indicating this variant is rare. Nonsense variants in KDM5B are expected to be pathogenic. We interpret this variant as likely pathogenic.

Pittsburgh Clinical Genomics Laboratory, University of Pittsburgh Medical Center
Classification: Likely pathogenic for Intellectual developmental disorder, autosomal recessive 65. Last evaluated: 2022-08-24. Review status: criteria provided, single submitter. Criteria: ACMG Guidelines, 2015. Collection method: clinical testing. Allele origin: germline. Inheritance: Autosomal recessive inheritance. Affected: yes.
Comment: This sequence variant is a single nucleotide substitution (C>T) at coding position 3640 of the KDM5B gene that generates an early termition codon at residue 1214 of the KDM5B protein. This variant is predicted to generate a non-functiol allele through either the expression of a truncated protein or a loss of KDM5B expression due to nonsense mediated decay. This is a novel variant that has not been previously observed in clinical variant databases (ClinVar) or in the medical literature in individuals with KDM5B-related disease, to our knowledge. This variant is absent from control population datasets (gnomAD database 0 of ~ 251,000 alleles). Because haploinsufficiency is an established mechanism of disease for KDM5B, we consider this variant to be likely pathogenic. ACMG Criteria: PM2, PVS1

Blueprint Genetics
Classification: Likely pathogenic for KDM5B-related disorders. Last evaluated: 2021-08-10. Review status: criteria provided, single submitter. Criteria: ACMG Guidelines, 2015. Collection method: clinical testing. Allele origin: germline. Affected: yes. Observed: 2 variant alleles.

NM_006618.5(KDM5B):c.3640C>T (p.Arg1214Ter)

Gene: KDM5B (lysine demethylase 5B; minus strand). Cytogenetic location: 1q32.1.
Variant type: single nucleotide variant.
Coding change: c.3640C>T on transcript NM_006618.5 (MANE Select); coding-DNA position 3640, C replaced by T.
Protein change: p.Arg1214Ter; replaces arginine 1214 with a stop codon.
Molecular consequence: nonsense.
Genome position (GRCh38, 1-based): chr1:202,733,670, G>A on the plus strand (C>T on the coding strand, the complement: KDM5B is on the minus strand). VCF-style: chr1-202733670-G-A. GRCh37 (hg19) VCF-style: chr1-202702798-G-A.
Other names: c.3748C>T, p.Arg1250Ter (NM_001314042.2); c.3505C>T, p.Arg1169Ter (NM_001347591.2); c.3625C>T, p.Arg1209Ter (NM_001399817.1); short protein forms R1169*, R1209*, R1214*, R1250*.
Identifiers: ClinVar variation 2630485 (VCV002630485.3), dbSNP rs1388990301, ClinGen allele CA344262171.
Genomic context (GRCh38, chr1:202,733,670, plus strand): 5'-GCAGAATTTTCTCTAATGGAGGTTTCTCTGACCTCCGACAATGGGGACAAAGCCAGATTC[G>A]CAGGCCCTGTGAAATACTGGGTACCGCCACACAACTGGTGTGGAAAGCATCCCTGCAGAG-3'